The following is an entry in ClinVar:

ClinVar aggregate classification (germline): Pathogenic. Review status: criteria provided, multiple submitters, no conflicts (2 of 4 stars). 2 submissions from 2 submitters: Pathogenic (2). Last evaluated 2025-03-13.

Conditions:
Amyotrophic lateral sclerosis type 12 (ALS12). Also called: AMYOTROPHIC LATERAL SCLEROSIS 12 WITH OR WITHOUT FRONTOTEMPORAL DEMENTIA. Identifiers: Orphanet 803, MedGen C3150692, MONDO:0013264, OMIM 613435.
Primary open angle glaucoma (POAG). Also called: OPTN-related open angle glaucoma. Identifiers: MedGen C0339573, MONDO:0100553, OMIM 137760.
Glaucoma 1, open angle, E. Identifiers: MedGen C1842026, MONDO:0007665.
Inborn genetic diseases. Identifiers: MedGen C0950123, MeSH D030342.

Allele frequency attached by ClinVar (database versions not stated): ExAC 0.00001; gnomAD 0.00001; gnomAD exomes 0.00001.
gnomAD v4.1: 8 of 1,610,768 alleles (0.0005%); highest among the groups gnomAD compares: Non-Finnish European, 0.00068%; no homozygotes.

Submissions (2):

Labcorp Genetics (formerly Invitae), Labcorp
Classification: Pathogenic for Primary open angle glaucoma; Glaucoma 1, open angle, E; Amyotrophic lateral sclerosis type 12. Last evaluated: 2025-03-13. Review status: criteria provided, single submitter. Criteria: Invitae Variant Classification Sherloc (09022015). Collection method: clinical testing. Allele origin: germline.
Comment: This sequence change creates a premature translational stop signal (p.Ser262*) in the OPTN gene. It is expected to result in an absent or disrupted protein product. Loss-of-function variants in OPTN are known to be pathogenic (PMID: 20428114). This variant is present in population databases (rs750571210, gnomAD 0.003%). This premature translational stop signal has been observed in individual(s) with autosomal recessive amyotrophic lateral sclerosis and frontotemporal dementia (PMID: 29558868). ClinVar contains an entry for this variant (Variation ID: 1455344). For these reasons, this variant has been classified as Pathogenic.

Ambry Genetics
Classification: Pathogenic for Inborn genetic diseases. Last evaluated: 2021-01-06. Review status: criteria provided, single submitter. Criteria: Ambry Variant Classification Scheme 2023. Collection method: clinical testing. Allele origin: germline.
Comment: The p.S262* variant (also known as c.785C>A), located in coding exon 6 of the OPTN gene, results from a C to A substitution at nucleotide position 785. This changes the amino acid from a serine to a stop codon within coding exon 6. This alteration has been reported in trans with another OPTN variant in a patient with amyotrophic lateral sclerosis and frontotemporal dementia (Pottier C et al. Amyotroph Lateral Scler Frontotemporal Degene, 2018 08;19:469-471). In addition to the clinical data presented in the literature, this alteration is expected to result in loss of function by premature protein truncation or nonsense-mediated mRNA decay. As such, this alteration is interpreted as a disease-causing mutation for autosomal recessive amyotrophic lateral sclerosis (ALS). Although biallelic loss of function alterations in OPTN have been associated with autosomal recessive ALS, haploinsufficiency for OPTN has not been clearly established as a mechanism of disease for autosomal dominant ALS. Since supporting evidence is limited at this time, the clinical significance of this alteration for autosomal dominant ALS remains unclear.

Literature cited by the submitters: PubMed 20428114 (cited by Labcorp Genetics (formerly Invitae), Labcorp); PubMed 29558868 (cited by Labcorp Genetics (formerly Invitae), Labcorp and Ambry Genetics).

NM_001008212.2(OPTN):c.785C>A (p.Ser262Ter)

Gene: OPTN (optineurin; plus strand). Cytogenetic location: 10p13.
Variant type: single nucleotide variant.
Coding change: c.785C>A on transcript NM_001008212.2 (MANE Select); coding-DNA position 785, C replaced by A.
Protein change: p.Ser262Ter; replaces serine 262 with a stop codon.
Molecular consequence: nonsense.
Genome position (GRCh38, 1-based): chr10:13,122,390, C>A. VCF-style: chr10-13122390-C-A. GRCh37 (hg19) VCF-style: chr10-13164390-C-A.
Other names: c.785C>A, p.Ser262Ter (NM_001008211.1, NM_001008213.1, NM_021980.4); short protein forms S262*.
Identifiers: ClinVar variation 1455344 (VCV001455344.8), dbSNP rs750571210, ClinGen allele CA5410755.